The following is an entry in ClinVar:

NM_020821.3(VPS13C):c.9695C>G (p.Ala3232Gly)

Gene: VPS13C (vacuolar protein sorting 13 homolog C; minus strand). Cytogenetic location: 15q22.2.
Variant type: single nucleotide variant.
Coding change: c.9695C>G on transcript NM_020821.3 (MANE Select); coding-DNA position 9695, C replaced by G.
Protein change: p.Ala3232Gly; replaces alanine 3232 with glycine.
Molecular consequence: missense variant.
Genome position (GRCh38, 1-based): chr15:61,881,758, G>C on the plus strand (C>G on the coding strand, the complement: VPS13C is on the minus strand). VCF-style: chr15-61881758-G-C. GRCh37 (hg19) VCF-style: chr15-62173957-G-C.
Other names: c.9695C>G, p.Ala3232Gly (NM_001018088.3); c.9566C>G, p.Ala3189Gly (NM_017684.5, NM_018080.4); short protein forms A3189G, A3232G.
Identifiers: ClinVar variation 2167819 (VCV002167819.4), dbSNP rs779616944, ClinGen allele CA7594572.

ClinVar aggregate classification (germline): Uncertain significance (1 of 4 stars; one submission).

gnomAD v4.1: 41 of 1,609,106 alleles (0.0025%); highest among the groups gnomAD compares: South Asian, 0.045%; no homozygotes.

Submission:

Labcorp Genetics (formerly Invitae), Labcorp
Classification: Uncertain significance. Last evaluated: 2022-03-11. Review status: criteria provided, single submitter. Criteria: Invitae Variant Classification Sherloc (09022015). Collection method: clinical testing. Allele origin: germline.
Comment: In summary, the available evidence is currently insufficient to determine the role of this variant in disease. Therefore, it has been classified as a Variant of Uncertain Significance. This variant is present in population databases (rs779616944, gnomAD 0.04%). This variant has not been reported in the literature in individuals affected with VPS13C-related conditions. Algorithms developed to predict the effect of missense changes on protein structure and function are either unavailable or do not agree on the potential impact of this missense change (SIFT: "Tolerated"; PolyPhen-2: "Probably Damaging"; Align-GVGD: "Class C0"). This sequence change replaces alanine, which is neutral and non-polar, with glycine, which is neutral and non-polar, at codon 3232 of the VPS13C protein (p.Ala3232Gly).